The following is an entry in ClinVar:

NM_001032283.3(TMPO):c.565+1602G>A

Gene: TMPO (thymopoietin; plus strand). Cytogenetic location: 12q23.1.
Variant type: single nucleotide variant.
Coding change: c.565+1602G>A on transcript NM_001032283.3 (MANE Select); 1602 bases into the intron after coding-DNA position 565, G replaced by A.
Molecular consequence: intron variant. On other transcripts: missense variant (1).
Genome position (GRCh38, 1-based): chr12:98,533,440, G>A. VCF-style: chr12-98533440-G-A. GRCh37 (hg19) VCF-style: chr12-98927218-G-A.
Other names: c.1183G>A, p.Gly395Arg (NM_003276.2); c.565+1602G>A (NM_001307975.2, NM_001032284.3); short protein forms G395R.
Identifiers: ClinVar variation 3223164 (VCV003223164.1), dbSNP rs1218771114, ClinGen allele CA386152649.

ClinVar aggregate classification (germline): Uncertain significance (1 of 4 stars; one submission).

Allele frequency attached by ClinVar (database versions not stated): gnomAD 0.00001.
gnomAD v4.1: 1 of 1,614,016 alleles (0.000062%); highest among the groups gnomAD compares: Non-Finnish European, 0.000085%; no homozygotes.

Submission:

Ambry Genetics
Classification: Uncertain significance. Last evaluated: 2023-09-24. Review status: criteria provided, single submitter. Criteria: Ambry Variant Classification Scheme 2023. Collection method: clinical testing. Allele origin: germline.
Comment: The p.G395R variant (also known as c.1183G>A), located in coding exon 4 of the TMPO gene, results from a G to A substitution at nucleotide position 1183. The glycine at codon 395 is replaced by arginine, an amino acid with dissimilar properties. This amino acid position is conserved. In addition, this alteration is predicted to be tolerated by in silico analysis. Since supporting evidence is limited at this time, the clinical significance of this alteration remains unclear.